The following is an entry in ClinVar:

ClinVar aggregate classification (germline): Uncertain significance (1 of 4 stars; one submission).

Conditions:
ALG6-congenital disorder of glycosylation 1C (CDG1C). Also called: CARBOHYDRATE-DEFICIENT GLYCOPROTEIN SYNDROME, TYPE I, WITH DEFICIENT GLYCOSYLATION OF DOLICHOL-LINKED OLIGOSACCHARIDE; CARBOHYDRATE-DEFICIENT GLYCOPROTEIN SYNDROME, TYPE V; Congenital disorder of glycosylation type 1C; Congenital disorder of glycosylation, type Ic; CDG Ic. Identifiers: Orphanet 79320, MedGen C2930997, MONDO:0011291, OMIM 603147.

Submission:

Labcorp Genetics (formerly Invitae), Labcorp
Classification: Uncertain significance for ALG6-congenital disorder of glycosylation 1C. Last evaluated: 2022-08-22. Review status: criteria provided, single submitter. Criteria: Invitae Variant Classification Sherloc (09022015). Collection method: clinical testing. Allele origin: germline.
Comment: Algorithms developed to predict the effect of missense changes on protein structure and function (SIFT, PolyPhen-2, Align-GVGD) all suggest that this variant is likely to be tolerated. This sequence change replaces isoleucine, which is neutral and non-polar, with leucine, which is neutral and non-polar, at codon 448 of the ALG6 protein (p.Ile448Leu). This variant is not present in population databases (gnomAD no frequency). This variant has not been reported in the literature in individuals affected with ALG6-related conditions. In summary, the available evidence is currently insufficient to determine the role of this variant in disease. Therefore, it has been classified as a Variant of Uncertain Significance.

NM_013339.4(ALG6):c.1342A>C (p.Ile448Leu)

Gene: ALG6 (ALG6 alpha-1,3-glucosyltransferase; plus strand). Cytogenetic location: 1p31.3.
Variant type: single nucleotide variant.
Coding change: c.1342A>C on transcript NM_013339.4 (MANE Select); coding-DNA position 1342, A replaced by C.
Protein change: p.Ile448Leu; replaces isoleucine 448 with leucine.
Molecular consequence: missense variant.
Genome position (GRCh38, 1-based): chr1:63,436,838, A>C. VCF-style: chr1-63436838-A-C. GRCh37 (hg19) VCF-style: chr1-63902509-A-C.
Other names: short protein forms I448L.
Identifiers: ClinVar variation 2132052 (VCV002132052.4), dbSNP rs2523811043, ClinGen allele CA340641336.
Genomic context (GRCh38, chr1:63,436,838, plus strand): 5'-AATTTCACCTTTTATACTACTCAGTAATCCTTTTTTTCCTTGCAGTTTCTTATCTCAGTC[A>C]TCACTATGGTGCTTCTGACGTTGATGACTGTCACACTGGATCCTCCTCAGAAACTACCGG-3'
Protein context (NP_037471.2, residues 438-458): IIQYLFLISV[Ile448Leu]TMVLLTLMTV